The following is an entry in ClinVar:

NM_004656.4(BAP1):c.1801_1805delinsGAGGT (p.Lys601_Glu602delinsGluVal)

Gene: BAP1 (BRCA1 associated deubiquitinase 1; minus strand). Cytogenetic location: 3p21.1.
Variant type: Indel.
Coding change: c.1801_1805delinsGAGGT on transcript NM_004656.4 (MANE Select); coding-DNA positions 1801 to 1805, AAGGA replaced by GAGGT.
Protein change: p.Lys601_Glu602delinsGluVal.
Molecular consequence: missense variant.
Genome position (GRCh38, 1-based): chr3:52,403,223-52,403,227, TCCTT replaced by ACCTC on the plus strand (AAGGA replaced by GAGGT on the coding strand, the reverse complement: BAP1 is on the minus strand). VCF-style: chr3-52403223-TCCTT-ACCTC. GRCh37 (hg19) VCF-style: chr3-52437239-TCCTT-ACCTC.
Identifiers: ClinVar variation 412448 (VCV000412448.4), dbSNP rs1060503748, ClinGen allele CA16611330.

ClinVar aggregate classification (germline): Conflicting classifications of pathogenicity. Review status: criteria provided, conflicting classifications (1 of 4 stars). 3 submissions from 3 submitters: Uncertain significance (2); Likely benign (1). Last evaluated 2024-07-17.

Conditions:
BAP1-related tumor predisposition syndrome (TPDS1). Also called: Tumor susceptibility linked to germline BAP1 mutations; COMMON Syndrome; TUMOR PREDISPOSITION SYNDROME 1; BAP1 tumor predisposition syndrome. Identifiers: Orphanet 289539, MedGen C3280492, MONDO:0013692, OMIM 614327.

Submissions (3):

Myriad Genetics, Inc.
Classification: Likely benign for BAP1-related tumor predisposition syndrome. Last evaluated: 2024-07-17. Review status: criteria provided, single submitter. Criteria: Myriad Autosomal Dominant, Autosomal Recessive and X-Linked Classification Criteria (2023). Collection method: clinical testing. Allele origin: unknown.
Comment: This variant is considered likely benign. Homozygosity has been confirmed in one or more individuals. As homozygosity for pathogenic variants in this gene is generally assumed to result in embryonic lethality, this variant is unlikely to be pathogenic.

Baylor Genetics
Classification: Uncertain significance for BAP1-related tumor predisposition syndrome. Last evaluated: 2024-02-10. Review status: criteria provided, single submitter. Criteria: ACMG Guidelines, 2015. Collection method: clinical testing. Allele origin: unknown.

Labcorp Genetics (formerly Invitae), Labcorp
Classification: Uncertain significance for BAP1-related tumor predisposition syndrome. Last evaluated: 2016-09-13. Review status: criteria provided, single submitter. Criteria: Invitae Variant Classification Sherloc (09022015). Collection method: clinical testing. Allele origin: germline.
Comment: This variant, c.1801_1805delinsGAGGT, is a complex sequence change that results in two missense changes in the BAP1 protein (p.Lys601Glu and p.Glu602Val). The lysine residue at codon 601 is moderately conserved and there is a small physicochemical difference between lysine and glutamic acid. The glutamic acid residue at codon 602 is highly conserved and there is a moderate physicochemical difference between glutamic acid and valine. This variant is present in population databases (ExAC 0.04%) but has not been reported in the literature in individuals with a BAP1-related disease. Algorithms developed to predict the effect of missense changes on protein structure and function do not agree on the potential impact of the lysine to glutamic acid missense change at codon 601 (SIFT: "Deleterious"; PolyPhen-2: "Benign"; Align-GVGD: "Class C0"). Algorithms developed to predict the effect of missense changes on protein structure and function do not agree on the potential impact of the glutamic acid to valine missense change at codon 602 (SIFT: "Deleterious"; PolyPhen-2: "Benign"; Align-GVGD: "Class C0"). In summary, this variant is a rare missense change with uncertain impact on protein function. There is no indication that it causes disease, but the available evidence is currently insufficient to prove that conclusively. Therefore, it has been classified as a Variant of Uncertain Significance.